The following is an entry in ClinVar:

ClinVar aggregate classification (germline): Uncertain significance. Review status: criteria provided, single submitter (1 of 4 stars). 2 submissions from 2 submitters: Uncertain significance (1). 1 of the submissions does not count toward it. Last evaluated 2025-07-31.

Conditions:
EPPK1-related disorder. Also called: EPPK1-related condition.

Allele frequency attached by ClinVar (database versions not stated): ExAC 0.00061; ESP Exome Variant Server 0.00099; 1000 Genomes Project 0.00120; 1000 Genomes Project 30x 0.00125; gnomAD 0.00151; TOPMed 0.00182.

Submissions (2):

Ambry Genetics
Classification: Uncertain significance. Last evaluated: 2025-07-31. Review status: criteria provided, single submitter. Criteria: Ambry Variant Classification Scheme 2023. Collection method: clinical testing. Allele origin: germline.

PreventionGenetics, part of Exact Sciences
Classification: Likely benign for EPPK1-related condition. Last evaluated: 2022-04-18. Review status: no assertion criteria provided. Collection method: clinical testing. Allele origin: germline. Not counted in ClinVar's aggregate classification.
Comment: This variant is classified as likely benign based on ACMG/AMP sequence variant interpretation guidelines (Richards et al. 2015 PMID: 25741868, with internal and published modifications).

NM_031308.4(EPPK1):c.1298C>T (p.Ser433Leu)

Gene: EPPK1 (epiplakin 1; minus strand). Cytogenetic location: 8q24.3.
Variant type: single nucleotide variant.
Coding change: c.1298C>T on transcript NM_031308.4 (MANE Select); coding-DNA position 1298, C replaced by T.
Protein change: p.Ser433Leu; replaces serine 433 with leucine.
Molecular consequence: missense variant.
Genome position (GRCh38, 1-based): chr8:143,871,956, G>A on the plus strand (C>T on the coding strand, the complement: EPPK1 is on the minus strand). VCF-style: chr8-143871956-G-A. GRCh37 (hg19) VCF-style: chr8-144946124-G-A.
Other names: c.1298C>T (NM_031308.1); short protein forms S433L.
Identifiers: ClinVar variation 3052818 (VCV003052818.3), dbSNP rs142484572, ClinGen allele CA4923399.